The following is an entry in ClinVar:

NM_001042492.3(NF1):c.7003A>C (p.Thr2335Pro)

Gene: NF1 (neurofibromin 1; plus strand). Cytogenetic location: 17q11.2.
Variant type: single nucleotide variant.
Coding change: c.7003A>C on transcript NM_001042492.3 (MANE Select); coding-DNA position 7003, A replaced by C.
Protein change: p.Thr2335Pro; replaces threonine 2335 with proline.
Molecular consequence: missense variant.
Genome position (GRCh38, 1-based): chr17:31,340,586, A>C. VCF-style: chr17-31340586-A-C. GRCh37 (hg19) VCF-style: chr17-29667604-A-C.
Other names: c.6940A>C, p.Thr2314Pro (NM_000267.4); short protein forms T2314P, T2335P.
Identifiers: ClinVar variation 965665 (VCV000965665.6), dbSNP rs370209920, ClinGen allele CA399015014.

ClinVar aggregate classification (germline): Uncertain significance (1 of 4 stars; one submission).

Conditions:
Neurofibromatosis, type 1 (NF1). Also called: Neurofibromatosis, type I; Peripheral type neurofibromatosis; VON RECKLINGHAUSEN DISEASE; NEUROFIBROMATOSIS, TYPE I, SOMATIC. Identifiers: Orphanet 636, MedGen C0027831, MONDO:0018975, OMIM 162200. Disease mechanism: loss of function.

Submission:

Labcorp Genetics (formerly Invitae), Labcorp
Classification: Uncertain significance for Neurofibromatosis, type 1. Last evaluated: 2019-10-03. Review status: criteria provided, single submitter. Criteria: Invitae Variant Classification Sherloc (09022015). Collection method: clinical testing. Allele origin: germline.
Comment: This sequence change replaces threonine with proline at codon 2314 of the NF1 protein (p.Thr2314Pro). The threonine residue is moderately conserved and there is a small physicochemical difference between threonine and proline. This variant is not present in population databases (ExAC no frequency). This variant has not been reported in the literature in individuals with NF1-related conditions. Algorithms developed to predict the effect of missense changes on protein structure and function are either unavailable or do not agree on the potential impact of this missense change (SIFT: "Tolerated"; PolyPhen-2: "Probably Damaging"; Align-GVGD: "Class C0"). In summary, the available evidence is currently insufficient to determine the role of this variant in disease. Therefore, it has been classified as a Variant of Uncertain Significance.